The following is an entry in ClinVar:

ClinVar aggregate classification (germline): Uncertain significance (1 of 4 stars; one submission).

Conditions:
Hajdu-Cheney syndrome (HJCYS). Also called: ACROOSTEOLYSIS WITH OSTEOPOROSIS AND CHANGES IN SKULL AND MANDIBLE; SERPENTINE FIBULA-POLYCYSTIC KIDNEY SYNDROME; Acroosteolysis dominant type. Identifiers: Orphanet 955, MedGen C0917715, MONDO:0007057, OMIM 102500.

Allele frequency attached by ClinVar (database versions not stated): gnomAD 0.00001; gnomAD exomes 0.00001; ExAC 0.00002.
gnomAD v4.1: 18 of 1,613,930 alleles (0.0011%); highest among the groups gnomAD compares: South Asian, 0.0033%; no homozygotes.

Submission:

Labcorp Genetics (formerly Invitae), Labcorp
Classification: Uncertain significance for Hajdu-Cheney syndrome. Last evaluated: 2023-11-19. Review status: criteria provided, single submitter. Criteria: Invitae Variant Classification Sherloc (09022015). Collection method: clinical testing. Allele origin: germline.
Comment: This sequence change replaces serine, which is neutral and polar, with asparagine, which is neutral and polar, at codon 424 of the NOTCH2 protein (p.Ser424Asn). This variant is present in population databases (rs782688032, gnomAD 0.003%). This variant has not been reported in the literature in individuals affected with NOTCH2-related conditions. Advanced modeling of protein sequence and biophysical properties (such as structural, functional, and spatial information, amino acid conservation, physicochemical variation, residue mobility, and thermodynamic stability) performed at Invitae indicates that this missense variant is not expected to disrupt NOTCH2 protein function with a negative predictive value of 95%. In summary, the available evidence is currently insufficient to determine the role of this variant in disease. Therefore, it has been classified as a Variant of Uncertain Significance.

NM_024408.4(NOTCH2):c.1271G>A (p.Ser424Asn)

Gene: NOTCH2 (notch receptor 2; minus strand). Cytogenetic location: 1p12.
Variant type: single nucleotide variant.
Coding change: c.1271G>A on transcript NM_024408.4 (MANE Select); coding-DNA position 1271, G replaced by A.
Protein change: p.Ser424Asn; replaces serine 424 with asparagine.
Molecular consequence: missense variant.
Genome position (GRCh38, 1-based): chr1:119,967,615, C>T on the plus strand (G>A on the coding strand, the complement: NOTCH2 is on the minus strand). VCF-style: chr1-119967615-C-T. GRCh37 (hg19) VCF-style: chr1-120510238-C-T.
Other names: c.1271G>A, p.Ser424Asn (NM_001200001.2); short protein forms S424N.
Identifiers: ClinVar variation 2697370 (VCV002697370.3), dbSNP rs782688032, ClinGen allele CA1040568.